The following is an entry in ClinVar:

ClinVar aggregate classification (germline): Conflicting classifications of pathogenicity. Review status: criteria provided, conflicting classifications (1 of 4 stars). 9 submissions from 9 submitters: Pathogenic (2); Likely pathogenic (4); Uncertain significance (1). 2 of the submissions do not count toward it. Last evaluated 2025-12-07.

Conditions:
Cardiovascular phenotype. Identifiers: MedGen CN230736.
Charcot-Marie-Tooth disease type 2. Also called: Charcot-Marie-Tooth type 2. Identifiers: Orphanet 64746, MedGen C0270914, MONDO:0018993.
Mandibuloacral dysplasia with type A lipodystrophy, atypical. Identifiers: MedGen CN043412.

Allele frequency attached by ClinVar (database versions not stated): gnomAD exomes below 0.00001 and 0.00001; ExAC 0.00003.
gnomAD v4.1: 7 of 1,613,962 alleles (0.00043%); highest among the groups gnomAD compares: African/African-American, 0.0013%; no homozygotes.

Submissions (9):

GeneDx
Classification: Likely pathogenic. Last evaluated: 2025-12-07. Review status: criteria provided, single submitter. Criteria: GeneDx Variant Classification Process June 2021. Collection method: clinical testing. Allele origin: germline.
Comment: Identified in individuals with cardiomyopathy and/or cardiac conduction disease (PMID: 30891417, 29943882, 29598884, 33019804); Reported in the homozygous state or compound heterozygous state in patients with premature aging syndromes (PMID: 12768443, 18348272); Functional studies are inconsistent regarding whether the analyzed properties differ significantly from wild type (PMID: 34862408, 16772334, 24592738, 25982065); Not observed at significant frequency in large population cohorts (gnomAD); In silico analysis supports that this missense variant has a deleterious effect on protein structure/function; This variant is associated with the following publications: (PMID: 16772334, 24375749, 24623722, 18348272, 20980393, 24592738, 29943882, 29598884, 31383942, 33019804, 33144682, 25982065, 30891417, 34862408, 30105547, 12768443, 10939567, 39020067)

Mayo Clinic Laboratories, Mayo Clinic
Classification: Likely pathogenic. Last evaluated: 2025-06-28. Review status: criteria provided, single submitter. Criteria: ACMG Guidelines, 2015. Collection method: clinical testing. Allele origin: germline. Observed: 1 variant allele.
Comment: PP3_moderate, PM1_supporting, PM5, PS3_supporting, PS4_moderate

Ambry Genetics
Classification: Pathogenic for Cardiovascular phenotype. Last evaluated: 2025-04-07. Review status: criteria provided, single submitter. Criteria: Ambry Variant Classification Scheme 2023. Collection method: clinical testing. Allele origin: germline.
Comment: The c.1411C>T (p.R471C) alteration is located in exon 8 (coding exon 8) of the LMNA gene. This alteration results from a C to T substitution at nucleotide position 1411, causing the arginine (R) at amino acid position 471 to be replaced by a cysteine (C). Based on data from gnomAD, the T allele has an overall frequency of 0.001% (3/251152) total alleles studied. The highest observed frequency was 0.003% (3/113566) of European (non-Finnish) alleles. This variant has been reported in a sudden death cohort and a pediatric hypertrophic cardiomyopathy (HCM) cohort (M&uuml;llertz, 2018; Rupp, 2019). Additionally, other variants at the same codon, p.R471H (c.1412G>A) and p.R471G (c.1411C>A), have been identified in individuals with features consistent with LMNA- related laminopathy (Astejada, 2007; Muschke, 2007; Ambry internal data). This amino acid position is highly conserved in available vertebrate species. This alteration is predicted to be deleterious by in silico analysis. Based on the available evidence, this alteration is classified as pathogenic.

Labcorp Genetics (formerly Invitae), Labcorp
Classification: Pathogenic for Charcot-Marie-Tooth disease type 2. Last evaluated: 2025-02-08. Review status: criteria provided, single submitter. Criteria: Invitae Variant Classification Sherloc (09022015). Collection method: clinical testing. Allele origin: germline.
Comment: This sequence change replaces arginine, which is basic and polar, with cysteine, which is neutral and slightly polar, at codon 471 of the LMNA protein (p.Arg471Cys). This variant is present in population databases (rs28928902, gnomAD 0.003%). This missense change has been observed in individual(s) with clinical features of autosomal recessive Hutchinson-Gilford progeria syndrome and/or dilated cardiomyopathy (PMID: 12768443, 18348272, 29943882). In at least one individual the data is consistent with being in trans (on the opposite chromosome) from a pathogenic variant. This variant is also known as c.1623C>T. ClinVar contains an entry for this variant (Variation ID: 14503). Invitae Evidence Modeling of protein sequence and biophysical properties (such as structural, functional, and spatial information, amino acid conservation, physicochemical variation, residue mobility, and thermodynamic stability) indicates that this missense variant is expected to disrupt LMNA protein function with a positive predictive value of 95%. Experimental studies have shown that this missense change affects LMNA function (PMID: 16772334, 25982065, 30137533, 30901896). For these reasons, this variant has been classified as Pathogenic.

CeGaT Center for Human Genetics Tuebingen
Classification: Likely pathogenic. Last evaluated: 2024-03-01. Review status: criteria provided, single submitter. Criteria: CeGaT Center For Human Genetics Tuebingen Variant Classification Criteria Version 2. Collection method: clinical testing. Allele origin: germline. Affected: yes. Observed: 1 variant allele.
Comment: LMNA: PM2, PM5, PS4:Moderate, PS3:Supporting

Revvity Omics, Revvity
Classification: Likely pathogenic. Last evaluated: 2023-07-14. Review status: criteria provided, single submitter. Criteria: ACMG Guidelines, 2015. Collection method: clinical testing. Allele origin: germline.

Eurofins Ntd Llc (ga)
Classification: Uncertain significance. Last evaluated: 2016-11-23. Review status: criteria provided, single submitter. Criteria: EGL Classification Definitions 2015. Collection method: clinical testing. Allele origin: germline. Observed: 1 variant allele, 1 heterozygote.

OMIM
Classification: Pathogenic for MANDIBULOACRAL DYSPLASIA WITH TYPE A LIPODYSTROPHY, ATYPICAL. Last evaluated: 2008-04-15. Review status: no assertion criteria provided. Collection method: literature only. Allele origin: germline. Not counted in ClinVar's aggregate classification.

Epithelial Biology;  Institute of Medical Biology, Singapore
No classification provided. Review status: no classification provided. Collection method: not provided. Allele origin: not provided. Not counted in ClinVar's aggregate classification.

Literature cited by the submitters: PubMed 12057196 (cited by Mayo Clinic Laboratories, Mayo Clinic); PubMed 12768443 (cited by 3 submitters); PubMed 16772334 (cited by Mayo Clinic Laboratories, Mayo Clinic and Labcorp Genetics (formerly Invitae), Labcorp); PubMed 18041775 (cited by Mayo Clinic Laboratories, Mayo Clinic and Ambry Genetics); PubMed 18348272 (cited by 4 submitters); PubMed 20160190 (cited by Mayo Clinic Laboratories, Mayo Clinic); PubMed 22493523 (cited by Mayo Clinic Laboratories, Mayo Clinic); PubMed 24375749 (cited by Mayo Clinic Laboratories, Mayo Clinic); PubMed 24592738 (cited by Mayo Clinic Laboratories, Mayo Clinic); PubMed 25982065 (cited by Mayo Clinic Laboratories, Mayo Clinic and Labcorp Genetics (formerly Invitae), Labcorp); PubMed 29598884 (cited by Mayo Clinic Laboratories, Mayo Clinic and Ambry Genetics); PubMed 29943882 (cited by Mayo Clinic Laboratories, Mayo Clinic and Labcorp Genetics (formerly Invitae), Labcorp); PubMed 30078822 (cited by Mayo Clinic Laboratories, Mayo Clinic); PubMed 30105547 (cited by Mayo Clinic Laboratories, Mayo Clinic and Ambry Genetics); PubMed 30137533 (cited by Mayo Clinic Laboratories, Mayo Clinic and Labcorp Genetics (formerly Invitae), Labcorp); PubMed 30891417 (cited by Mayo Clinic Laboratories, Mayo Clinic); PubMed 30901896 (cited by Mayo Clinic Laboratories, Mayo Clinic and Labcorp Genetics (formerly Invitae), Labcorp); PubMed 31383942 (cited by Mayo Clinic Laboratories, Mayo Clinic); PubMed 33019804 (cited by Mayo Clinic Laboratories, Mayo Clinic); PubMed 33144682 (cited by Mayo Clinic Laboratories, Mayo Clinic); PubMed 34862408 (cited by Mayo Clinic Laboratories, Mayo Clinic); PubMed 35470684 (cited by Mayo Clinic Laboratories, Mayo Clinic); PubMed 36301259 (cited by Mayo Clinic Laboratories, Mayo Clinic); PubMed 36354755 (cited by Mayo Clinic Laboratories, Mayo Clinic); PubMed 37843397 (cited by Mayo Clinic Laboratories, Mayo Clinic); PubMed 18646565 (cited by Ambry Genetics); Brown, W. T. Personal Communication. 2004. Staten Island, N.Y. (cited by OMIM).

NM_170707.4(LMNA):c.1411C>T (p.Arg471Cys)

Gene: LMNA (lamin A/C; plus strand). Cytogenetic location: 1q22.
Variant type: single nucleotide variant.
Coding change: c.1411C>T on transcript NM_170707.4 (MANE Select); coding-DNA position 1411, C replaced by T.
Protein change: p.Arg471Cys; replaces arginine 471 with cysteine.
Molecular consequence: missense variant.
Genome position (GRCh38, 1-based): chr1:156,136,951, C>T. VCF-style: chr1-156136951-C-T. GRCh37 (hg19) VCF-style: chr1-156106742-C-T.
Other names: c.1075C>T, p.Arg359Cys (NM_001257374.3); c.1168C>T, p.Arg390Cys (NM_001282624.2); c.1411C>T, p.Arg471Cys (NM_001282625.2, NM_001282626.2, NM_005572.4 and 1 more transcripts); short protein forms R471C, R390C, R359C.
Identifiers: ClinVar variation 14503 (VCV000014503.40), dbSNP rs28928902, ClinGen allele CA017213.